The following is an entry in ClinVar:

ClinVar aggregate classification (germline): Uncertain significance. Review status: criteria provided, multiple submitters, no conflicts (2 of 4 stars). 2 submissions from 2 submitters: Uncertain significance (2). Last evaluated 2025-11-06.

Conditions:
Encephalopathy, acute, infection-induced (herpes-specific), susceptibility to, 6. Also called: Herpes simplex encephalitis, susceptibility to, 4. Identifiers: Orphanet 1930, MedGen C3553869, MONDO:0013921, OMIM 614850.

Allele frequency attached by ClinVar (database versions not stated): gnomAD exomes 0.00001 and 0.00002; gnomAD below 0.00001 and 0.00001; TOPMed 0.00002.

Submissions (2):

Ambry Genetics
Classification: Uncertain significance. Last evaluated: 2025-11-06. Review status: criteria provided, single submitter. Criteria: Ambry Variant Classification Scheme 2023. Collection method: clinical testing. Allele origin: germline.

Labcorp Genetics (formerly Invitae), Labcorp
Classification: Uncertain significance for Encephalopathy, acute, infection-induced (herpes-specific), susceptibility to, 6. Last evaluated: 2020-05-03. Review status: criteria provided, single submitter. Criteria: Invitae Variant Classification Sherloc (09022015). Collection method: clinical testing. Allele origin: germline.
Comment: This sequence change replaces arginine with histidine at codon 180 of the TICAM1 protein (p.Arg180His). The arginine residue is weakly conserved and there is a small physicochemical difference between arginine and histidine. This variant is not present in population databases (ExAC no frequency). This variant has not been reported in the literature in individuals with TICAM1-related conditions. Algorithms developed to predict the effect of missense changes on protein structure and function (SIFT, PolyPhen-2, Align-GVGD) all suggest that this variant is likely to be tolerated, but these predictions have not been confirmed by published functional studies and their clinical significance is uncertain. In summary, the available evidence is currently insufficient to determine the role of this variant in disease. Therefore, it has been classified as a Variant of Uncertain Significance.

NM_182919.4(TICAM1):c.539G>A (p.Arg180His)

Gene: TICAM1 (TIR domain containing adaptor molecule 1; minus strand). Cytogenetic location: 19p13.3.
Variant type: single nucleotide variant.
Coding change: c.539G>A on transcript NM_182919.4 (MANE Select); coding-DNA position 539, G replaced by A.
Protein change: p.Arg180His; replaces arginine 180 with histidine.
Molecular consequence: missense variant.
Genome position (GRCh38, 1-based): chr19:4,817,839, C>T on the plus strand (G>A on the coding strand, the complement: TICAM1 is on the minus strand). VCF-style: chr19-4817839-C-T. GRCh37 (hg19) VCF-style: chr19-4817851-C-T.
Other names: c.539G>A (NM_182919.2); short protein forms R180H.
Identifiers: ClinVar variation 837687 (VCV000837687.11), dbSNP rs940970222, ClinGen allele CA304548420.
Genomic context (GRCh38, chr19:4,817,839, plus strand): 5'-GGGCTGCCAGTGGATCGCAGGGAGCACCCTTGGCTCCAGTCCGAAACACCGTCAATGGGG[C>T]GTGGGAGGCTCCTGGTCCCAGAGGGCAAAGCCGAGGATGGTGGGAGGCAGCCCAGATTGG-3'
Protein context (NP_891549.1, residues 170-190): ALPSGTRSLP[Arg180His]PIDGVSDWSQ